The following is an entry in ClinVar:

NM_001042492.3(NF1):c.338dup (p.Leu113fs)

Gene: NF1 (neurofibromin 1; plus strand). Cytogenetic location: 17q11.2.
Variant type: Duplication.
Coding change: c.338dup on transcript NM_001042492.3 (MANE Select); coding-DNA position 338, one base duplicated (T; older notation c.338dupT).
Protein change: p.Leu113fs; shifts the reading frame from leucine 113.
Molecular consequence: frameshift variant.
Genome position (GRCh38, 1-based): chr17:31,163,235, T duplicated; the last of 2 consecutive T bases (chr17:31,163,234-31,163,235); duplicating either gives the same sequence. VCF-style (leftmost placement, unchanged base first): chr17-31163233-G-GT. GRCh37 (hg19) VCF-style: chr17-29490251-G-GT.
Other names: c.338dupT (NM_000267.3, NM_001042492.2); c.338dup, p.Leu113Phefs (NM_000267.4); c.338dup, p.Leu113fs (NM_001128147.3); short protein forms L113fs.
Identifiers: ClinVar variation 640096 (VCV000640096.13), dbSNP rs1597635740, ClinGen allele CA915949708.

ClinVar aggregate classification (germline): Pathogenic. Review status: criteria provided, multiple submitters, no conflicts (2 of 4 stars). 4 submissions from 4 submitters: Pathogenic (3). 1 of the submissions does not count toward it. Last evaluated 2022-03-15.

Conditions:
NF1-related disorder. Also called: NF1-related condition. Identifiers: MedGen CN379171.
Hereditary cancer-predisposing syndrome. Also called: Neoplastic Syndromes, Hereditary; Hereditary Cancer Syndrome; Hereditary neoplastic syndrome; Tumor predisposition. Identifiers: Orphanet 140162, MedGen C0027672, MeSH D009386, MONDO:0015356.
Cardiovascular phenotype. Identifiers: MedGen CN230736.
Neurofibromatosis, type 1 (NF1). Also called: NEUROFIBROMATOSIS, TYPE I, SOMATIC; VON RECKLINGHAUSEN DISEASE; Neurofibromatosis, type I; Peripheral type neurofibromatosis. Identifiers: Orphanet 636, MedGen C0027831, MONDO:0018975, OMIM 162200. Disease mechanism: loss of function.

Submissions (4):

Genome-Nilou Lab
Classification: Pathogenic for Neurofibromatosis, type 1. Last evaluated: 2022-03-15. Review status: criteria provided, single submitter. Criteria: ACMG Guidelines, 2015. Collection method: clinical testing. Allele origin: germline. Affected: no.

Labcorp Genetics (formerly Invitae), Labcorp
Classification: Pathogenic for Neurofibromatosis, type 1. Last evaluated: 2018-08-18. Review status: criteria provided, single submitter. Criteria: Invitae Variant Classification Sherloc (09022015). Collection method: clinical testing. Allele origin: germline.
Comment: This sequence change creates a premature translational stop signal (p.Leu113Phefs*14) in the NF1 gene. It is expected to result in an absent or disrupted protein product. For these reasons, this variant has been classified as Pathogenic. Loss-of-function variants in NF1 are known to be pathogenic (PMID: 10712197, 23913538). This variant has not been reported in the literature in individuals with NF1-related disease. This variant is not present in population databases (ExAC no frequency).

Ambry Genetics
Classification: Pathogenic for Cardiovascular phenotype; Hereditary cancer-predisposing syndrome. Last evaluated: 2018-06-29. Review status: criteria provided, single submitter. Criteria: Ambry Variant Classification Scheme 2023. Collection method: clinical testing. Allele origin: germline.
Comment: The c.338dupT pathogenic mutation, located in coding exon 4 of the NF1 gene, results from a duplication of T at nucleotide position 338, causing a translational frameshift with a predicted alternate stop codon (p.L113Ffs*14). This alteration is expected to result in loss of function by premature protein truncation or nonsense-mediated mRNA decay. As such, this alteration is interpreted as a disease-causing mutation.

PreventionGenetics, part of Exact Sciences
Classification: Pathogenic for NF1-related condition. Last evaluated: 2024-02-02. Review status: no assertion criteria provided. Collection method: clinical testing. Allele origin: germline. Not counted in ClinVar's aggregate classification.
Comment: The NF1 c.338dupT variant is predicted to result in a frameshift and premature protein termination (p.Leu113Phefs*14). To our knowledge, this variant has not been reported in the literature or in a large population database, indicating this variant is rare. Frameshift variants in NF1 are expected to be pathogenic. This variant is interpreted as pathogenic.

Literature cited by the submitters: PubMed 10712197 (cited by Labcorp Genetics (formerly Invitae), Labcorp); PubMed 23913538 (cited by Labcorp Genetics (formerly Invitae), Labcorp).